The following is an entry in ClinVar:

NM_001042492.3(NF1):c.4189T>G (p.Phe1397Val)

Gene: NF1 (neurofibromin 1; plus strand). Cytogenetic location: 17q11.2.
Variant type: single nucleotide variant.
Coding change: c.4189T>G on transcript NM_001042492.3 (MANE Select); coding-DNA position 4189, T replaced by G.
Protein change: p.Phe1397Val; replaces phenylalanine 1397 with valine.
Molecular consequence: missense variant.
Genome position (GRCh38, 1-based): chr17:31,258,359, T>G. VCF-style: chr17-31258359-T-G. GRCh37 (hg19) VCF-style: chr17-29585377-T-G.
Other names: c.4126T>G, p.Phe1376Val (NM_000267.4); short protein forms F1376V, F1397V.
Identifiers: ClinVar variation 3634548 (VCV003634548.2).

ClinVar aggregate classification (germline): Uncertain significance (1 of 4 stars; one submission).

Conditions:
Neurofibromatosis, type 1 (NF1). Also called: VON RECKLINGHAUSEN DISEASE; Peripheral type neurofibromatosis; NEUROFIBROMATOSIS, TYPE I, SOMATIC; Neurofibromatosis, type I. Identifiers: Orphanet 636, MedGen C0027831, MONDO:0018975, OMIM 162200. Disease mechanism: loss of function.

Submission:

Labcorp Genetics (formerly Invitae), Labcorp
Classification: Uncertain significance for Neurofibromatosis, type 1. Last evaluated: 2024-12-04. Review status: criteria provided, single submitter. Criteria: Invitae Variant Classification Sherloc (09022015). Collection method: clinical testing. Allele origin: germline.
Comment: This sequence change replaces phenylalanine, which is neutral and non-polar, with valine, which is neutral and non-polar, at codon 1376 of the NF1 protein (p.Phe1376Val). This variant is not present in population databases (gnomAD no frequency). This variant has not been reported in the literature in individuals affected with NF1-related conditions. Invitae Evidence Modeling of protein sequence and biophysical properties (such as structural, functional, and spatial information, amino acid conservation, physicochemical variation, residue mobility, and thermodynamic stability) indicates that this missense variant is expected to disrupt NF1 protein function with a positive predictive value of 95%. In summary, the available evidence is currently insufficient to determine the role of this variant in disease. Therefore, it has been classified as a Variant of Uncertain Significance.